The following is an entry in ClinVar:

ClinVar aggregate classification (germline): Uncertain significance. Review status: reviewed by expert panel (3 of 4 stars). 2 submissions from 2 submitters: Uncertain significance (1). 1 of the submissions does not count toward it. Last evaluated 2023-10-17.

Conditions:
Glanzmann thrombasthenia. Also called: BLEEDING DISORDER, PLATELET-TYPE, 2; THROMBASTHENIA OF GLANZMANN AND NAEGELI; Glanzmann's thrombasthenia; Thrombasthenia; PLATELET GLYCOPROTEIN IIb-IIIa DEFICIENCY. Identifiers: Orphanet 849, MedGen C0040015, MONDO:0100326.

gnomAD v4.1: 2 of 1,604,036 alleles (0.00012%); highest among the groups gnomAD compares: Non-Finnish European, 0.000085%; no homozygotes.

Submissions (2):

ClinGen Platelet Disorders Variant Curation Expert Panel, ClinGen
Classification: Uncertain significance for Glanzmann thrombasthenia. Last evaluated: 2023-10-17. Review status: reviewed by expert panel. Criteria: ClinGen Platelet ACMG Specifications v2-1. Collection method: curation. Allele origin: germline. Inheritance: Autosomal recessive inheritance.
Comment: To our knowledge, this c.1072C>T (p.Arg358Cys) variant has not been reported in the literature. It is absent from population databases, including gnomADv2.1.1 (PM2_supporting). This variant occurs at the same amino acid residue as Arg358His, a previously reported pathogenic missense change (PM5). In summary, this variant meets criteria to be classified as uncertain significance for autosomal recessive Glanzmann thrombasthenia. GT-specific criteria applied: PM2_Supporting and PM5.

GeneDx
Classification: Uncertain significance. Last evaluated: 2017-04-07. Review status: criteria provided, single submitter. Criteria: GeneDx Variant Classification (06012015). Collection method: clinical testing. Allele origin: germline. Affected: yes. Not counted in ClinVar's aggregate classification.
Comment: The R358C variant in the ITGA2B gene has not been reported previously as a pathogenic variant, nor as a benign variant, to our knowledge. The R358C variant is not observed in large population cohorts (Lek et al., 2016; 1000 Genomes Consortium et al., 2015; Exome Variant Server). The R358C variant is a non-conservative amino acid substitution, which is likely to impact secondary protein structure as these residues differ in polarity, charge, size and/or other properties. This substitution occurs at a position that is conserved across species. In silico analysis predicts this variant is probably damaging to the protein structure/function. A missense variant in the same residue (R358H) has been reported previously in individuals with Glanzmann thrombasthenia (Nurden et al., 2011; Wilcox et al., 1995). Molecular modeling strongly suggests that the R358H variant, referred to as R327H using alternate nomenclature, acts by destabilizing the aIIbÃŸ propeller (Nurden et al., 2011). Therefore, we interpret R358C as a variant of uncertain significance.

NM_000419.5(ITGA2B):c.1072C>T (p.Arg358Cys)

Gene: ITGA2B (integrin subunit alpha 2b; minus strand). Cytogenetic location: 17q21.31.
Variant type: single nucleotide variant.
Coding change: c.1072C>T on transcript NM_000419.5 (MANE Select); coding-DNA position 1072, C replaced by T.
Protein change: p.Arg358Cys; replaces arginine 358 with cysteine.
Molecular consequence: missense variant.
Genome position (GRCh38, 1-based): chr17:44,383,631, G>A on the plus strand (C>T on the coding strand, the complement: ITGA2B is on the minus strand). VCF-style: chr17-44383631-G-A. GRCh37 (hg19) VCF-style: chr17-42460999-G-A.
Other names: c.1072C>T (LRG_479t1); short protein forms R358C.
Identifiers: ClinVar variation 426669 (VCV000426669.5), dbSNP rs1026539797, ClinGen allele CA290954009.
Genomic context (GRCh38, chr17:44,383,631, plus strand): 5'-GCAGGAGGCTGGGGGCACCCAGCGCGTGGGGGCCTCGCGGCTGCAGGAACAAATACACAC[G>A]CCCCACTTCGGCCAGTTTTCGGTCTGCCCGGCTCTCCATATACAGTGGAGCGCCCACCAG-3'
Protein context (NP_000410.2, residues 348-368): RADRKLAEVG[Arg358Cys]VYLFLQPRGP